The following is an entry in ClinVar:

ClinVar aggregate classification (germline): Likely benign (1 of 4 stars; one submission).

gnomAD v4.1: 45 of 1,571,876 alleles (0.0029%); highest among the groups gnomAD compares: South Asian, 0.0086%; no homozygotes.

Submission:

CeGaT Center for Human Genetics Tuebingen
Classification: Likely benign. Last evaluated: 2025-07-01. Review status: criteria provided, single submitter. Criteria: CeGaT Center For Human Genetics Tuebingen Variant Classification Criteria Version 2. Collection method: clinical testing. Allele origin: germline. Affected: yes. Observed: 1 variant allele.
Comment: FBXW7: BP4, BP7

NM_001349798.2(FBXW7):c.501+28979G>A

Gene: FBXW7 (F-box and WD repeat domain containing 7; minus strand). Cytogenetic location: 4q31.3.
Variant type: single nucleotide variant.
Coding change: c.501+28979G>A on transcript NM_001349798.2 (MANE Select); 28979 bases into the intron after coding-DNA position 501, G replaced by A.
Molecular consequence: intron variant. On other transcripts: synonymous variant (1).
Genome position (GRCh38, 1-based): chr4:152,382,324, C>T on the plus strand (G>A on the coding strand, the complement: FBXW7 is on the minus strand). VCF-style: chr4-152382324-C-T. GRCh37 (hg19) VCF-style: chr4-153303476-C-T.
Other names: c.12G>A, p.Pro4= (NM_001013415.2); c.501+28979G>A (NM_033632.3).
Identifiers: ClinVar variation 4084933 (VCV004084933.8).
Genomic context (GRCh38, chr4:152,382,324, plus strand): 5'-AGGCTCTTTTGCACTTTTAAGATCAACAGGAACCAAGCCATGGTTTAGAGTAGGTTTTCC[C>T]GGTTTTGACATTTTAAAACTCCTCTTGGTTGACGAATACTCTCTACATGTAATACAGGCA-3'